The following is an entry in ClinVar:

NM_000360.4(TH):c.565T>G (p.Leu189Val)

Gene: TH (tyrosine hydroxylase; minus strand). Cytogenetic location: 11p15.5.
Variant type: single nucleotide variant.
Coding change: c.565T>G on transcript NM_000360.4 (MANE Select); coding-DNA position 565, T replaced by G.
Protein change: p.Leu189Val; replaces leucine 189 with valine.
Molecular consequence: missense variant.
Genome position (GRCh38, 1-based): chr11:2,168,102, A>C on the plus strand (T>G on the coding strand, the complement: TH is on the minus strand). VCF-style: chr11-2168102-A-C. GRCh37 (hg19) VCF-style: chr11-2189332-A-C.
Other names: c.658T>G, p.Leu220Val (NM_199292.3); c.646T>G, p.Leu216Val (NM_199293.3); short protein forms L189V, L220V, L216V.
Identifiers: ClinVar variation 970321 (VCV000970321.7), dbSNP rs751996815, ClinGen allele CA5818619.

ClinVar aggregate classification (germline): Uncertain significance. Review status: criteria provided, single submitter (1 of 4 stars). 2 submissions from 2 submitters: Uncertain significance (1). 1 of the submissions does not count toward it. Last evaluated 2022-06-01.

Conditions:
TH-deficient dopa-responsive dystonia. Also called: DYT-TH; Tyrosine Hydroxylase-Deficient Dopa-Responsive Dystonia; Segawa syndrome, autosomal recessive. Identifiers: Orphanet 101150, MedGen C2673535, MONDO:0011551, OMIM 605407.

Allele frequency attached by ClinVar (database versions not stated): TOPMed below 0.00001; gnomAD 0.00001; gnomAD exomes 0.00001; ExAC 0.00002.
gnomAD v4.1: 7 of 1,613,378 alleles (0.00043%); highest among the groups gnomAD compares: Non-Finnish European, 0.00059%; no homozygotes.

Submissions (2):

Labcorp Genetics (formerly Invitae), Labcorp
Classification: Uncertain significance for TH-deficient dopa-responsive dystonia. Last evaluated: 2022-06-01. Review status: criteria provided, single submitter. Criteria: Invitae Variant Classification Sherloc (09022015). Collection method: clinical testing. Allele origin: germline.
Comment: This sequence change replaces leucine, which is neutral and non-polar, with valine, which is neutral and non-polar, at codon 220 of the TH protein (p.Leu220Val). This variant is present in population databases (rs751996815, gnomAD 0.002%). This variant has not been reported in the literature in individuals affected with TH-related conditions. ClinVar contains an entry for this variant (Variation ID: 970321). Advanced modeling of protein sequence and biophysical properties (such as structural, functional, and spatial information, amino acid conservation, physicochemical variation, residue mobility, and thermodynamic stability) performed at Invitae indicates that this missense variant is not expected to disrupt TH protein function. In summary, the available evidence is currently insufficient to determine the role of this variant in disease. Therefore, it has been classified as a Variant of Uncertain Significance.

Natera, Inc.
Classification: Uncertain significance for Autosomal recessive Segawa syndrome. Last evaluated: 2021-03-19. Review status: no assertion criteria provided. Collection method: clinical testing. Allele origin: germline. Not counted in ClinVar's aggregate classification.